The following is an entry in ClinVar:

NM_001166108.2(PALLD):c.701T>A (p.Val234Asp)

Gene: PALLD (palladin, cytoskeletal associated protein; plus strand). Cytogenetic location: 4q32.3.
Variant type: single nucleotide variant.
Coding change: c.701T>A on transcript NM_001166108.2 (MANE Select); coding-DNA position 701, T replaced by A.
Protein change: p.Val234Asp; replaces valine 234 with aspartic acid.
Molecular consequence: missense variant.
Genome position (GRCh38, 1-based): chr4:168,512,205, T>A. VCF-style: chr4-168512205-T-A. GRCh37 (hg19) VCF-style: chr4-169433356-T-A.
Other names: c.701T>A, p.Val234Asp (NM_016081.4); short protein forms V234D.
Identifiers: ClinVar variation 1756720 (VCV001756720.2), dbSNP rs2531435598, ClinGen allele CA358727986.

ClinVar aggregate classification (germline): Uncertain significance (1 of 4 stars; one submission).

Submission:

Ambry Genetics
Classification: Uncertain significance. Last evaluated: 2022-05-21. Review status: criteria provided, single submitter. Criteria: Ambry Variant Classification Scheme 2023. Collection method: clinical testing. Allele origin: germline.
Comment: The p.V234D variant (also known as c.701T>A), located in coding exon 1 of the PALLD gene, results from a T to A substitution at nucleotide position 701. The valine at codon 234 is replaced by aspartic acid, an amino acid with highly dissimilar properties. This amino acid position is conserved. In addition, this alteration is predicted to be tolerated by in silico analysis. Since supporting evidence is limited at this time, the clinical significance of this alteration remains unclear.